The following is an entry in ClinVar:

NM_000135.4(FANCA):c.1459dup (p.Arg487fs)

Gene: FANCA (FA complementation group A; minus strand). Cytogenetic location: 16q24.3.
Variant type: Duplication.
Coding change: c.1459dup on transcript NM_000135.4 (MANE Select); coding-DNA position 1459, one base duplicated (C; older notation c.1459dupC).
Protein change: p.Arg487fs; shifts the reading frame from arginine 487.
Molecular consequence: frameshift variant.
Genome position (GRCh38, 1-based): chr16:89,784,865, G duplicated on the plus strand (C on the coding strand, the reverse complement: FANCA is on the minus strand); the first of 4 consecutive G bases (chr16:89,784,865-89,784,868); duplicating any one gives the same sequence. VCF-style (leftmost placement, unchanged base first): chr16-89784864-C-CG. GRCh37 (hg19) VCF-style: chr16-89851272-C-CG.
Other names: c.1459dupC (NM_000135.2); c.1459dup, p.Arg487fs (NM_001286167.3); short protein forms R487fs.
Identifiers: ClinVar variation 974123 (VCV000974123.8), dbSNP rs2039844868, ClinGen allele CA1139665029.

ClinVar aggregate classification (germline): Pathogenic/Likely pathogenic. Review status: criteria provided, multiple submitters, no conflicts (2 of 4 stars). 4 submissions from 4 submitters: Pathogenic (2); Likely pathogenic (1). 1 of the submissions does not count toward it. Last evaluated 2025-09-24.

Conditions:
Fanconi anemia complementation group A (FANCA). Also called: FANCA-Related Fanconi Anemia; Fanconi anemia, group A. Identifiers: Orphanet 84, MedGen C3469521, MONDO:0009215, OMIM 227650.
Fanconi anemia (FA). Also called: Fanconi's anemia. Identifiers: Orphanet 84, MedGen C0015625, MeSH D005199, MONDO:0019391.

Submissions (4):

Myriad Genetics, Inc.
Classification: Pathogenic for Fanconi anemia complementation group A. Last evaluated: 2025-09-24. Review status: criteria provided, single submitter. Criteria: Myriad Autosomal Dominant, Autosomal Recessive and X-Linked Classification Criteria (2023). Collection method: clinical testing. Allele origin: unknown.
Comment: NM_000135.2(FANCA):c.1459dupC(R487Pfs*56) is a frameshift variant classified as pathogenic in the context of Fanconi anemia complementation group A. R487Pfs*56 has been observed in a case with relevant disease (PMID: 9371798). Relevant functional assessments of this variant are not available in the literature. R487Pfs*56 has not been observed in referenced population frequency databases. In summary, NM_000135.2(FANCA):c.1459dupC(R487Pfs*56) is a frameshift variant in a gene where loss of function is a known mechanism of disease, is predicted to disrupt protein function, and has been observed more frequently in cases with the relevant disease than in healthy populations. Please note: this variant was assessed in the context of healthy population screening.

Labcorp Genetics (formerly Invitae), Labcorp
Classification: Pathogenic for Fanconi anemia. Last evaluated: 2022-08-22. Review status: criteria provided, single submitter. Criteria: Invitae Variant Classification Sherloc (09022015). Collection method: clinical testing. Allele origin: germline.
Comment: This variant is not present in population databases (gnomAD no frequency). This sequence change creates a premature translational stop signal (p.Arg487Profs*56) in the FANCA gene. It is expected to result in an absent or disrupted protein product. Loss-of-function variants in FANCA are known to be pathogenic (PMID: 19367192). This premature translational stop signal has been observed in individual(s) with Fanconi anemia (PMID: 9371798). For these reasons, this variant has been classified as Pathogenic. ClinVar contains an entry for this variant (Variation ID: 974123). This variant is also known as 1459–1460insC .

Women's Health and Genetics/Laboratory Corporation of America, LabCorp
Classification: Likely pathogenic for Fanconi anemia. Last evaluated: 2021-12-10. Review status: criteria provided, single submitter. Criteria: LabCorp Variant Classification Summary - May 2015. Collection method: clinical testing. Allele origin: germline.
Comment: Variant summary: FANCA c.1459dupC (p.Arg487ProfsX56) results in a premature termination codon, predicted to cause a truncation of the encoded protein or absence of the protein due to nonsense mediated decay, which are commonly known mechanisms for disease. Truncations downstream of this position have been classified as pathogenic by HGMD. The variant was absent in 251396 control chromosomes (gnomAD). c.1459dupC has been reported in a heterozygous individual affected with Fanconi Anemia without evidence for causality (Levran_1997). These data indicate that the variant may be associated with disease. To our knowledge, no experimental evidence demonstrating an impact on protein function has been reported. Leiden Open Variation Database has submitted clinical-significance assessments for this variant to ClinVar after 2014 and classified the variant as pathogenic. Based on the evidence outlined above, the variant was classified as likely pathogenic.

Leiden Open Variation Database
Classification: Pathogenic for Fanconi anemia complementation group A. Last evaluated: 2020-02-28. Review status: no assertion criteria provided. Collection method: curation. Allele origin: germline. Affected: yes. Not counted in ClinVar's aggregate classification.
Comment: Curator: Arleen D. Auerbach. Submitter to LOVD: Arleen D. Auerbach.

Literature cited by the submitters: PubMed 9371798 (cited by 3 submitters); PubMed 19367192 (cited by Labcorp Genetics (formerly Invitae), Labcorp).